The following is an entry in ClinVar:

ClinVar aggregate classification (germline): Benign/Likely benign. Review status: criteria provided, multiple submitters, no conflicts (2 of 4 stars). 4 submissions from 4 submitters: Benign (1); Likely benign (3). Last evaluated 2025-11-01.

Conditions:
Multiple cutaneous and mucosal venous malformations (VMCM). Also called: TEK-Related Multiple Cutaneous and Mucosal Venous Malformations (VMCM). Identifiers: Orphanet 2451, MedGen C1838437, MONDO:0010842, OMIM 600195.

Allele frequency attached by ClinVar (database versions not stated): gnomAD exomes 0.00081 and 0.00037; 1000 Genomes Project 30x 0.00016; 1000 Genomes Project 0.00020; ExAC 0.00033; gnomAD 0.00048 and 0.00051; TOPMed 0.00048; ESP Exome Variant Server 0.00054.
gnomAD v4.1: 1,252 of 1,613,758 alleles (0.078%); highest among the groups gnomAD compares: Non-Finnish European, 0.098%; no homozygotes.

Submissions (4):

CeGaT Center for Human Genetics Tuebingen
Classification: Likely benign. Last evaluated: 2025-11-01. Review status: criteria provided, single submitter. Criteria: CeGaT Center For Human Genetics Tuebingen Variant Classification Criteria Version 2. Collection method: clinical testing. Allele origin: germline. Affected: yes. Observed: 1 variant allele.
Comment: TEK: BP5

Mayo Clinic Laboratories, Mayo Clinic
Classification: Likely benign. Last evaluated: 2025-02-17. Review status: criteria provided, single submitter. Criteria: ACMG Guidelines, 2015. Collection method: clinical testing. Allele origin: germline. Observed: 2 variant alleles.
Comment: BS1, BP4

Labcorp Genetics (formerly Invitae), Labcorp
Classification: Likely benign. Last evaluated: 2024-10-24. Review status: criteria provided, single submitter. Criteria: Invitae Variant Classification Sherloc (09022015). Collection method: clinical testing. Allele origin: germline.

Illumina Laboratory Services, Illumina
Classification: Benign for Multiple cutaneous and mucosal venous malformations. Last evaluated: 2018-01-13. Review status: criteria provided, single submitter. Criteria: ICSL Variant Classification Criteria 13 December 2019. Collection method: clinical testing. Allele origin: germline.
Comment: This variant was observed in the ICSL laboratory as part of a predisposition screen in an ostensibly healthy population. It had not been previously curated by ICSL or reported in the Human Gene Mutation Database (HGMD: prior to June 1st, 2018), and was therefore a candidate for classification through an automated scoring system. Utilizing variant allele frequency, disease prevalence and penetrance estimates, and inheritance mode, an automated score was calculated to assess if this variant is too frequent to cause the disease. Based on the score and internal cut-off values, a variant classified as benign is not then subjected to further curation. The score for this variant resulted in a classification of benign for this disease.

NM_000459.5(TEK):c.677C>T (p.Ala226Val)

Gene: TEK (TEK receptor tyrosine kinase; plus strand). Cytogenetic location: 9p21.2.
Variant type: single nucleotide variant.
Coding change: c.677C>T on transcript NM_000459.5 (MANE Select); coding-DNA position 677, C replaced by T.
Protein change: p.Ala226Val; replaces alanine 226 with valine.
Molecular consequence: missense variant.
Genome position (GRCh38, 1-based): chr9:27,172,664, C>T. VCF-style: chr9-27172664-C-T. GRCh37 (hg19) VCF-style: chr9-27172662-C-T.
Other names: c.677C>T (NM_000459.4); c.677C>T, p.Ala226Val (NM_001290077.2, NM_001375475.1, NM_001375476.1); c.365C>T, p.Ala122Val (NM_001290078.2); short protein forms A226V, A122V.
Identifiers: ClinVar variation 366396 (VCV000366396.16), dbSNP rs35814893, ClinGen allele CA5015983.
Genomic context (GRCh38, chr9:27,172,664, plus strand): 5'-CCTTAACAAAAGGATGTGAAGCCCAGAAGTGGGGACCTGAATGCAACCATCTCTGTACTG[C>T]TTGTATGAACAATGGTGTCTGCCATGAAGATACTGGAGAATGCATTTGCCCTCCTGGGTT-3'
Protein context (NP_000450.3, residues 216-236): WGPECNHLCT[Ala226Val]CMNNGVCHED